The following is an entry in ClinVar:

ClinVar aggregate classification (germline): Uncertain significance (1 of 4 stars; one submission).

Submission:

Women's Health and Genetics/Laboratory Corporation of America, LabCorp
Classification: Uncertain significance. Last evaluated: 2026-01-08. Review status: criteria provided, single submitter. Criteria: LabCorp Variant Classification Summary - May 2015. Collection method: clinical testing. Allele origin: germline.
Comment: Variant summary: MAPK8IP3 c.2546T>G (p.Val849Gly) results in a non-conservative amino acid change in the encoded protein sequence. Algorithms developed to predict the effect of missense changes on protein structure and function are either unavailable or do not agree on the potential impact of this missense change. The variant was absent in 246900 control chromosomes. The available data on variant occurrences in the general population are insufficient to allow any conclusion about variant significance. To our knowledge, no occurrence of c.2546T>G in individuals affected with MAPK8IP3-related conditions and no experimental evidence demonstrating its impact on protein function have been reported. No submitters have cited clinical-significance assessments for this variant to ClinVar. Based on the evidence outlined above, the variant was classified as uncertain significance.

NM_001318852.2(MAPK8IP3):c.2549T>G (p.Val850Gly)

Gene: MAPK8IP3 (mitogen-activated protein kinase 8 interacting protein 3; plus strand). Cytogenetic location: 16p13.3.
Variant type: single nucleotide variant.
Coding change: c.2549T>G on transcript NM_001318852.2 (MANE Select); coding-DNA position 2549, T replaced by G.
Protein change: p.Val850Gly; replaces valine 850 with glycine.
Molecular consequence: missense variant.
Genome position (GRCh38, 1-based): chr16:1,766,062, T>G. VCF-style: chr16-1766062-T-G. GRCh37 (hg19) VCF-style: chr16-1816063-T-G.
Other names: c.2528T>G, p.Val843Gly (NM_001040439.2); c.2546T>G, p.Val849Gly (NM_015133.5); short protein forms V843G, V849G, V850G.
Identifiers: ClinVar variation 4689531 (VCV004689531.1).
Genomic context (GRCh38, chr16:1,766,062, plus strand): 5'-ACAGCGACGTGAACCCAGAGGACCCGGGCGCAGATGGCGTGCTGGCCGGTATCACCCTGG[T>G]GGGCTGTGCCACCCGCTGCAACGTGCCGCGGAGCAACTGCTCCTCCCGAGGGGACACCCC-3'
Protein context (NP_001305781.1, residues 840-860): ADGVLAGITL[Val850Gly]GCATRCNVPR